The following is an entry in ClinVar:

ClinVar aggregate classification (germline): Conflicting classifications of pathogenicity. Review status: criteria provided, conflicting classifications (1 of 4 stars). 3 submissions from 3 submitters: Uncertain significance (1); Likely benign (1). 1 of the submissions does not count toward it. Last evaluated 2025-09-02.

Conditions:
JAG1-related disorder. Also called: JAG1-related disorders; JAG1-related condition.
Cardiovascular phenotype. Identifiers: MedGen CN230736.
Alagille syndrome due to a JAG1 point mutation. Also called: HEPATIC DUCTULAR HYPOPLASIA, SYNDROMATIC; JAG1-Related Alagille Syndrome; Alagille Syndrome 1. Identifiers: Orphanet 261619, Orphanet 52, MedGen C1956125, MONDO:0016862, OMIM 118450.

Allele frequency attached by ClinVar (database versions not stated): ExAC 0.00002; gnomAD exomes 0.00002.
gnomAD v4.1: 32 of 1,614,086 alleles (0.002%); highest among the groups gnomAD compares: African/African-American, 0.0027%; no homozygotes.

Submissions (3):

Ambry Genetics
Classification: Likely benign for Cardiovascular phenotype. Last evaluated: 2025-09-02. Review status: criteria provided, single submitter. Criteria: Ambry Variant Classification Scheme 2023. Collection method: clinical testing. Allele origin: germline.

Labcorp Genetics (formerly Invitae), Labcorp
Classification: Uncertain significance for Alagille syndrome due to a JAG1 point mutation. Last evaluated: 2024-12-26. Review status: criteria provided, single submitter. Criteria: Invitae Variant Classification Sherloc (09022015). Collection method: clinical testing. Allele origin: germline.
Comment: This sequence change replaces glutamic acid, which is acidic and polar, with lysine, which is basic and polar, at codon 935 of the JAG1 protein (p.Glu935Lys). This variant is present in population databases (rs753161584, gnomAD 0.003%). This variant has not been reported in the literature in individuals affected with JAG1-related conditions. ClinVar contains an entry for this variant (Variation ID: 2719892). Invitae Evidence Modeling of protein sequence and biophysical properties (such as structural, functional, and spatial information, amino acid conservation, physicochemical variation, residue mobility, and thermodynamic stability) has been performed for this missense variant. However, the output from this modeling did not meet the statistical confidence thresholds required to predict the impact of this variant on JAG1 protein function. In summary, the available evidence is currently insufficient to determine the role of this variant in disease. Therefore, it has been classified as a Variant of Uncertain Significance.

PreventionGenetics, part of Exact Sciences
Classification: Uncertain significance for JAG1-related condition. Last evaluated: 2024-01-19. Review status: no assertion criteria provided. Collection method: clinical testing. Allele origin: germline. Not counted in ClinVar's aggregate classification.
Comment: The JAG1 c.2803G>A variant is predicted to result in the amino acid substitution p.Glu935Lys. To our knowledge, this variant has not been reported in the literature. This variant is reported in 0.0029% of alleles in individuals of Latino descent in gnomAD. At this time, the clinical significance of this variant is uncertain due to the absence of conclusive functional and genetic evidence.

NM_000214.3(JAG1):c.2803G>A (p.Glu935Lys)

Gene: JAG1 (jagged canonical Notch ligand 1; minus strand). Cytogenetic location: 20p12.2.
Variant type: single nucleotide variant.
Coding change: c.2803G>A on transcript NM_000214.3 (MANE Select); coding-DNA position 2803, G replaced by A.
Protein change: p.Glu935Lys; replaces glutamic acid 935 with lysine.
Molecular consequence: missense variant.
Genome position (GRCh38, 1-based): chr20:10,641,573, C>T on the plus strand (G>A on the coding strand, the complement: JAG1 is on the minus strand). VCF-style: chr20-10641573-C-T. GRCh37 (hg19) VCF-style: chr20-10622221-C-T.
Other names: c.2803G>A (NM_000214.2); short protein forms E935K.
Identifiers: ClinVar variation 2719892 (VCV002719892.7), dbSNP rs753161584, ClinGen allele CA9764391.